The following is an entry in ClinVar:

NM_002471.4(MYH6):c.2119T>G (p.Cys707Gly)

Gene: MYH6 (myosin heavy chain 6; minus strand). Cytogenetic location: 14q11.2.
Variant type: single nucleotide variant.
Coding change: c.2119T>G on transcript NM_002471.4 (MANE Select); coding-DNA position 2119, T replaced by G.
Protein change: p.Cys707Gly; replaces cysteine 707 with glycine.
Molecular consequence: missense variant.
Genome position (GRCh38, 1-based): chr14:23,397,012, A>C on the plus strand (T>G on the coding strand, the complement: MYH6 is on the minus strand). VCF-style: chr14-23397012-A-C. GRCh37 (hg19) VCF-style: chr14-23866221-A-C.
Other names: short protein forms C707G.
Identifiers: ClinVar variation 2452916 (VCV002452916.3), dbSNP rs773009780, ClinGen allele CA389017771.

ClinVar aggregate classification (germline): Uncertain significance. Review status: criteria provided, multiple submitters, no conflicts (2 of 4 stars). 2 submissions from 2 submitters: Uncertain significance (2). Last evaluated 2025-03-11.

Conditions:
Cardiovascular phenotype. Identifiers: MedGen CN230736.
Hypertrophic cardiomyopathy 14. Identifiers: MedGen C2750467, MONDO:0013197, OMIM 613251.

Submissions (2):

Labcorp Genetics (formerly Invitae), Labcorp
Classification: Uncertain significance for Hypertrophic cardiomyopathy 14. Last evaluated: 2025-03-11. Review status: criteria provided, single submitter. Criteria: Invitae Variant Classification Sherloc (09022015). Collection method: clinical testing. Allele origin: germline.
Comment: This sequence change replaces cysteine, which is neutral and slightly polar, with glycine, which is neutral and non-polar, at codon 707 of the MYH6 protein (p.Cys707Gly). This variant is not present in population databases (gnomAD no frequency). This variant has not been reported in the literature in individuals affected with MYH6-related conditions. ClinVar contains an entry for this variant (Variation ID: 2452916). Invitae Evidence Modeling of protein sequence and biophysical properties (such as structural, functional, and spatial information, amino acid conservation, physicochemical variation, residue mobility, and thermodynamic stability) indicates that this missense variant is expected to disrupt MYH6 protein function with a positive predictive value of 80%. In summary, the available evidence is currently insufficient to determine the role of this variant in disease. Therefore, it has been classified as a Variant of Uncertain Significance.

Ambry Genetics
Classification: Uncertain significance for Cardiovascular phenotype. Last evaluated: 2022-12-16. Review status: criteria provided, single submitter. Criteria: Ambry Variant Classification Scheme 2023. Collection method: clinical testing. Allele origin: germline.
Comment: The p.C707G variant (also known as c.2119T>G), located in coding exon 16 of the MYH6 gene, results from a T to G substitution at nucleotide position 2119. The cysteine at codon 707 is replaced by glycine, an amino acid with highly dissimilar properties. This amino acid position is conserved. In addition, this alteration is predicted to be deleterious by in silico analysis. Since supporting evidence is limited at this time, the clinical significance of this alteration remains unclear.